The following is an entry in ClinVar:

NM_000023.4(SGCA):c.436G>A (p.Glu146Lys)

Gene: SGCA (sarcoglycan alpha; plus strand). Cytogenetic location: 17q21.33.
Variant type: single nucleotide variant.
Coding change: c.436G>A on transcript NM_000023.4 (MANE Select); coding-DNA position 436, G replaced by A.
Protein change: p.Glu146Lys; replaces glutamic acid 146 with lysine.
Molecular consequence: missense variant. On other transcripts: non-coding transcript variant (1).
Genome position (GRCh38, 1-based): chr17:50,168,424, G>A. VCF-style: chr17-50168424-G-A. GRCh37 (hg19) VCF-style: chr17-48245785-G-A.
Other names: c.436G>A, p.Glu146Lys (NM_001135697.3); short protein forms E146K.
Identifiers: ClinVar variation 4535822 (VCV004535822.1).
Genomic context (GRCh38, chr17:50,168,424, plus strand): 5'-GCCTTCCCAGGCCCCCTGCTGCCATACCAAGCCGAGTTCCTGGTGCGCAGCCACGATGCG[G>A]AGGAGGTGCTGCCCTCAACACCTGCCAGCCGCTTCCTCTCAGCCTTGGGGGGACTCTGGG-3'
Protein context (NP_000014.1, residues 136-156): AEFLVRSHDA[Glu146Lys]EVLPSTPASR

ClinVar aggregate classification (germline): Uncertain significance (1 of 4 stars; one submission).

gnomAD v4.1: 2 of 1,591,782 alleles (0.00013%); highest among the groups gnomAD compares: Non-Finnish European, 0.00017%; no homozygotes.

Submission:

Women's Health and Genetics/Laboratory Corporation of America, LabCorp
Classification: Uncertain significance. Last evaluated: 2025-09-04. Review status: criteria provided, single submitter. Criteria: LabCorp Variant Classification Summary - May 2015. Collection method: clinical testing. Allele origin: germline.
Comment: Variant summary: SGCA c.436G>A (p.Glu146Lys) results in a conservative amino acid change in the encoded protein sequence. Algorithms developed to predict the effect of missense changes on protein structure and function are either unavailable or do not agree on the potential impact of this missense change. The variant was absent in 211630 control chromosomes (gnomAD). The available data on variant occurrences in the general population are insufficient to allow any conclusion about variant significance. c.436G>A has been observed in individuals affected with Limb-Girdle Muscular Dystrophy, Autosomal Recessive (Aloso-Perez_2020, Zidkova_2023). These data do not allow any conclusion about variant significance. To our knowledge, no experimental evidence demonstrating an impact on protein function has been reported. The following publications have been ascertained in the context of this evaluation (PMID: 32875335, 37526466). No submitters have cited clinical-significance assessments for this variant to ClinVar. Based on the evidence outlined above, the variant was classified as uncertain significance.

Literature cited by the submitters: PubMed 32875335; PubMed 37526466.